The following is an entry in ClinVar:

Conditions:
Breast-ovarian cancer, familial, susceptibility to, 1 (BROVCA1). Also called: BRCA1 Hereditary Breast and Ovarian Cancer; OVARIAN CANCER, SUSCEPTIBILITY TO. Identifiers: Orphanet 145, MedGen C2676676, MONDO:0011450, OMIM 604370. Disease mechanism: loss of function.

Submission:

Brotman Baty Institute, University of Washington
No classification provided (evidence only). Condition: Breast-ovarian cancer, familial 1. Review status: no classification provided. Collection method: in vitro. Allele origin: not applicable. Functional consequence: functionally_normal.
ClinVar note: "not provided" was previously submitted as the classification for the variant. However, the classification appeared to be based only on an observation of functional data so it was converted to no classification on 2025-07-30.

NM_007294.4(BRCA1):c.4921G>C (p.Ala1641Pro)

Gene: BRCA1 (BRCA1 DNA repair associated; minus strand). Cytogenetic location: 17q21.31.
Variant type: single nucleotide variant.
Coding change: c.4921G>C on transcript NM_007294.4 (MANE Select); coding-DNA position 4921, G replaced by C.
Protein change: p.Ala1641Pro; replaces alanine 1641 with proline.
Molecular consequence: missense variant. On other transcripts: non-coding transcript variant (1).
Genome position (GRCh38, 1-based): chr17:43,070,993, C>G on the plus strand (G>C on the coding strand, the complement: BRCA1 is on the minus strand). VCF-style: chr17-43070993-C-G. GRCh37 (hg19) VCF-style: chr17-41223010-C-G.
Other names: c.4708G>C, p.Ala1570Pro (NM_001407571.1, NM_001407894.1, NM_001407895.1 and 12 more transcripts); c.4987G>C, p.Ala1663Pro (NM_001407581.1, NM_001407582.1); c.4984G>C, p.Ala1662Pro (NM_001407583.1, NM_001407585.1, NM_001407587.1 and 1 more transcripts); c.4981G>C, p.Ala1661Pro (NM_001407590.1, NM_001407591.1); c.4921G>C, p.Ala1641Pro (NM_001407593.1, NM_001407594.1, NM_001407596.1 and 8 more transcripts); c.4918G>C, p.Ala1640Pro (NM_001407620.1, NM_001407621.1, NM_001407622.1 and 17 more transcripts); c.4915G>C, p.Ala1639Pro (NM_001407627.1, NM_001407628.1, NM_001407639.1 and 14 more transcripts); c.4912G>C, p.Ala1638Pro (NM_001407644.1, NM_001407645.1); and 70 more; short protein forms A537P, A1594P, A1641P, A1662P, A1551P, A1569P, A1592P, A1597P.
Identifiers: ClinVar variation 865688 (VCV000865688.3), dbSNP rs1800726, ClinGen allele CA10591680.